The following is an entry in ClinVar:

NM_004329.3(BMPR1A):c.929A>C (p.Asp310Ala)

Gene: BMPR1A (bone morphogenetic protein receptor type 1A; plus strand). Cytogenetic location: 10q23.2.
Variant type: single nucleotide variant.
Coding change: c.929A>C on transcript NM_004329.3 (MANE Select); coding-DNA position 929, A replaced by C.
Protein change: p.Asp310Ala; replaces aspartic acid 310 with alanine.
Molecular consequence: missense variant.
Genome position (GRCh38, 1-based): chr10:86,919,232, A>C. VCF-style: chr10-86919232-A-C. GRCh37 (hg19) VCF-style: chr10-88678989-A-C.
Other names: short protein forms D310A.
Identifiers: ClinVar variation 1525919 (VCV001525919.8), dbSNP rs2133589997, ClinGen allele CA377460064.
Genomic context (GRCh38, chr10:86,919,232, plus strand): 5'-GTTTCATAGCGGCAGACATTAAAGGTACAGGTTCCTGGACTCAGCTCTATTTGATTACTG[A>C]TTACCATGAAAATGGATCTCTCTATGACTTCCTGAAATGTGCTACACTGGACACCAGAGC-3'
Protein context (NP_004320.2, residues 300-320): GSWTQLYLIT[Asp310Ala]YHENGSLYDF

ClinVar aggregate classification (germline): Uncertain significance (1 of 4 stars; one submission).

Conditions:
Juvenile polyposis syndrome (JPS). Identifiers: Orphanet 2929, MedGen C0345893, MONDO:0017380, OMIM 174900.

Submission:

Labcorp Genetics (formerly Invitae), Labcorp
Classification: Uncertain significance for Juvenile polyposis syndrome. Last evaluated: 2021-06-08. Review status: criteria provided, single submitter. Criteria: Invitae Variant Classification Sherloc (09022015). Collection method: clinical testing. Allele origin: germline.
Comment: This sequence change replaces aspartic acid with alanine at codon 310 of the BMPR1A protein (p.Asp310Ala). The aspartic acid residue is highly conserved and there is a moderate physicochemical difference between aspartic acid and alanine. This variant is not present in population databases (ExAC no frequency). This variant has not been reported in the literature in individuals with BMPR1A-related conditions. Advanced modeling of protein sequence and biophysical properties (such as structural, functional, and spatial information, amino acid conservation, physicochemical variation, residue mobility, and thermodynamic stability) performed at Invitae indicates that this missense variant is expected to disrupt BMPR1A protein function. In summary, the available evidence is currently insufficient to determine the role of this variant in disease. Therefore, it has been classified as a Variant of Uncertain Significance.